The following is an entry in ClinVar:

ClinVar aggregate classification (germline): Pathogenic (1 of 4 stars; one submission).

Conditions:
Episodic ataxia type 2 (EA2). Also called: CEREBELLAR ATAXIA, PAROXYSMAL, ACETAZOLAMIDE-RESPONSIVE; CEREBELLOPATHY, HEREDITARY PAROXYSMAL; EPISODIC ATAXIA, NYSTAGMUS-ASSOCIATED; ACETAZOLAMIDE-RESPONSIVE HEREDITARY PAROXYSMAL CEREBELLAR ATAXIA; ATAXIA, EPISODIC, WITH NYSTAGMUS; ATAXIA, FAMILIAL PAROXYSMAL. Identifiers: Orphanet 97, MedGen C1720416, MONDO:0007163, OMIM 108500.
Developmental and epileptic encephalopathy, 42 (DEE42A). Also called: Epileptic encephalopathy, early infantile, 42; DEVELOPMENTAL AND EPILEPTIC ENCEPHALOPATHY 42A; EPILEPTIC ENCEPHALOPATHY, EARLY INFANTILE, 42A. Identifiers: MedGen C4310716, MONDO:0014917, OMIM 617106.

Submission:

Labcorp Genetics (formerly Invitae), Labcorp
Classification: Pathogenic for Developmental and epileptic encephalopathy, 42; Episodic ataxia type 2. Last evaluated: 2024-09-06. Review status: criteria provided, single submitter. Criteria: Invitae Variant Classification Sherloc (09022015). Collection method: clinical testing. Allele origin: germline.
Comment: This sequence change creates a premature translational stop signal (p.Leu165*) in the CACNA1A gene. It is expected to result in an absent or disrupted protein product. Loss-of-function variants in CACNA1A are known to be pathogenic (PMID: 10371528, 19486177, 25735478, 27250579). This variant is not present in population databases (gnomAD no frequency). This variant has not been reported in the literature in individuals affected with CACNA1A-related conditions. For these reasons, this variant has been classified as Pathogenic.

Literature cited by the submitters: PubMed 10371528; PubMed 19486177; PubMed 25735478; PubMed 27250579.

NM_001127222.2(CACNA1A):c.492del (p.Tyr164_Leu165insTer)

Gene: CACNA1A (calcium voltage-gated channel subunit alpha1 A; minus strand). Cytogenetic location: 19p13.13.
Variant type: Deletion.
Coding change: c.492del on transcript NM_001127222.2 (MANE Select); coding-DNA position 492, one base deleted (C; older notation c.492delC).
Protein change: p.Tyr164_Leu165insTer.
Molecular consequence: frameshift variant.
Genome position (GRCh38, 1-based): chr19:13,452,923, G deleted on the plus strand (C on the coding strand, the reverse complement: CACNA1A is on the minus strand). VCF-style (leftmost placement, unchanged base first): chr19-13452922-AG-A. GRCh37 (hg19) VCF-style: chr19-13563736-AG-A.
Other names: c.492del, p.Tyr164_Leu165insTer (NM_000068.4, NM_001127221.2, NM_001174080.2 and 1 more transcripts).
Identifiers: ClinVar variation 2947543 (VCV002947543.3), dbSNP rs2513503626, ClinGen allele CA2740091962.